The following is an entry in ClinVar:

ClinVar aggregate classification (germline): Benign. Review status: criteria provided, multiple submitters, no conflicts (2 of 4 stars). 7 submissions from 7 submitters: Benign (7). Last evaluated 2026-09-14.

Conditions:
Inborn genetic diseases. Identifiers: MedGen C0950123, MeSH D030342.
Tumor predisposition syndrome 2 (TPDS2). Also called: MBD4-Related Tumor Predisposition Syndrome; MBD4-ASSOCIATED NEOPLASIA SYNDROME; MBD4-associated neoplasia syndrome (MANS). Identifiers: Orphanet 661526, MedGen C5774186, MONDO:0859267, OMIM 619975.
MBD4-related disorder. Also called: MBD4-related condition.

Allele frequency attached by ClinVar (database versions not stated): gnomAD 0.07524 and 0.07680; TOPMed 0.07917; gnomAD exomes 0.08015 and 0.08449; ExAC 0.08106; ESP Exome Variant Server 0.08112; 1000 Genomes Project 0.08207; 1000 Genomes Project 30x 0.08370.
gnomAD v4.1: 135,695 of 1,614,010 alleles (8.4%); highest among the groups gnomAD compares: Middle Eastern, 12%; 6,177 homozygotes.

Submissions (7):

PreventionGenetics, part of Exact Sciences
Classification: Benign for MBD4-related condition. Last evaluated: 2026-09-14. Review status: criteria provided, single submitter. Criteria: ACMG Guidelines, 2015. Collection method: clinical testing. Allele origin: germline.
Comment: This variant is classified as benign based on ACMG/AMP sequence variant interpretation guidelines (Richards et al. 2015 PMID: 25741868, with internal and published modifications).

Myriad Genetics, Inc.
Classification: Benign for Tumor predisposition syndrome 2. Last evaluated: 2026-06-11. Review status: criteria provided, single submitter. Criteria: Myriad Autosomal Dominant, Autosomal Recessive and X-Linked Classification Criteria (2023). Collection method: clinical testing. Allele origin: unknown.
Comment: This variant is considered benign. This variant has been observed at a population frequency that is significantly greater than expected given the associated disease prevalence and penetrance.

Labcorp Genetics (formerly Invitae), Labcorp
Classification: Benign. Last evaluated: 2026-02-04. Review status: criteria provided, single submitter. Criteria: Invitae Variant Classification Sherloc (09022015). Collection method: clinical testing. Allele origin: germline.

ARUP Laboratories, Molecular Genetics and Genomics, ARUP Laboratories
Classification: Benign. Last evaluated: 2025-07-28. Review status: criteria provided, single submitter. Criteria: ARUP Molecular Germline Variant Investigation Process 2024. Collection method: clinical testing. Allele origin: germline.

Ambry Genetics
Classification: Benign for Inborn genetic diseases. Last evaluated: 2024-10-18. Review status: criteria provided, single submitter. Criteria: Ambry Variant Classification Scheme 2023. Collection method: clinical testing. Allele origin: germline.

GeneDx
Classification: Benign. Last evaluated: 2021-05-04. Review status: criteria provided, single submitter. Criteria: GeneDx Variant Classification Process June 2021. Collection method: clinical testing. Allele origin: germline. Affected: yes.

Breakthrough Genomics
Classification: Benign. Review status: criteria provided, single submitter. Criteria: ACMG Guidelines, 2015. Collection method: not provided. Allele origin: germline. Inheritance: Autosomal recessive inheritance. Affected: yes.

NM_001276270.2(MBD4):c.817G>A (p.Ala273Thr)

Gene: MBD4 (methyl-CpG binding domain 4, DNA glycosylase; minus strand). Cytogenetic location: 3q21.3.
Variant type: single nucleotide variant.
Coding change: c.817G>A on transcript NM_001276270.2 (MANE Select); coding-DNA position 817, G replaced by A.
Protein change: p.Ala273Thr; replaces alanine 273 with threonine.
Molecular consequence: missense variant. On other transcripts: intron variant (1).
Genome position (GRCh38, 1-based): chr3:129,436,827, C>T on the plus strand (G>A on the coding strand, the complement: MBD4 is on the minus strand). VCF-style: chr3-129436827-C-T. GRCh37 (hg19) VCF-style: chr3-129155670-C-T.
Other names: c.817G>A, p.Ala273Thr (NM_001276271.2, NM_001276272.2, NM_003925.3); c.247+981G>A (NM_001276273.2); short protein forms A273T.
Identifiers: ClinVar variation 1236752 (VCV001236752.14), dbSNP rs10342, ClinGen allele CA2605462.